The following is an entry in ClinVar:

ClinVar aggregate classification (germline): Uncertain significance (1 of 4 stars; one submission).

Submission:

GeneDx
Classification: Uncertain significance. Last evaluated: 2022-09-15. Review status: criteria provided, single submitter. Criteria: GeneDx Variant Classification Process June 2021. Collection method: clinical testing. Allele origin: germline. Affected: yes.
Comment: Not observed at significant frequency in large population cohorts (gnomAD); In silico analysis supports that this missense variant has a deleterious effect on protein structure/function; Has not been previously published as pathogenic or benign to our knowledge

NM_003106.4(SOX2):c.383C>A (p.Pro128His)

Genes: SOX2 (SRY-box transcription factor 2; plus strand), SOX2-OT (SOX2 overlapping transcript; plus strand), LOC108281177 (SOX2 5' regulatory region; plus strand). Cytogenetic location: 3q26.33.
Variant type: single nucleotide variant.
Coding change: c.383C>A on transcript NM_003106.4 (MANE Select); coding-DNA position 383, C replaced by A.
Protein change: p.Pro128His; replaces proline 128 with histidine.
Molecular consequence: missense variant.
Genome position (GRCh38, 1-based): chr3:181,712,743, C>A. VCF-style: chr3-181712743-C-A. GRCh37 (hg19) VCF-style: chr3-181430531-C-A.
Other names: short protein forms P128H.
Identifiers: ClinVar variation 2444717 (VCV002444717.1), dbSNP rs2108522356, ClinGen allele CA355473766.